The following is an entry in ClinVar:

NM_016507.4(CDK12):c.1243A>G (p.Met415Val)

Gene: CDK12 (cyclin dependent kinase 12; plus strand). Cytogenetic location: 17q12.
Variant type: single nucleotide variant.
Coding change: c.1243A>G on transcript NM_016507.4 (MANE Select); coding-DNA position 1243, A replaced by G.
Protein change: p.Met415Val; replaces methionine 415 with valine.
Molecular consequence: missense variant.
Genome position (GRCh38, 1-based): chr17:39,471,075, A>G. VCF-style: chr17-39471075-A-G. GRCh37 (hg19) VCF-style: chr17-37627328-A-G.
Other names: c.1243A>G, p.Met415Val (NM_015083.4); short protein forms M415V.
Identifiers: ClinVar variation 3999371 (VCV003999371.1).
Genomic context (GRCh38, chr17:39,471,075, plus strand): 5'-CTGGGAGCTGAACTCAGTAGGAAAAAGAAGGAAAGAGCAGCTGCTGCTGCTGCAGCAAAG[A>G]TGGATGGAAAGGAGTCCAAGGGTTCACCTGTATTTTTGCCTAGAAAAGAGAACAGTTCAG-3'
Protein context (NP_057591.2, residues 405-425): ERAAAAAAAK[Met415Val]DGKESKGSPV

ClinVar aggregate classification (germline): Uncertain significance (1 of 4 stars; one submission).

Submission:

Ambry Genetics
Classification: Uncertain significance. Last evaluated: 2025-04-19. Review status: criteria provided, single submitter. Criteria: Ambry Variant Classification Scheme 2023. Collection method: clinical testing. Allele origin: germline.
Comment: The p.M415V variant (also known as c.1243A>G), located in coding exon 2 of the CDK12 gene, results from an A to G substitution at nucleotide position 1243. The methionine at codon 415 is replaced by valine, an amino acid with highly similar properties. This amino acid position is conserved. In addition, this alteration is predicted to be tolerated by in silico analysis. Based on the available evidence, the clinical significance of this variant remains unclear.